The following is an entry in ClinVar:

NM_024685.4(BBS10):c.282T>C (p.Leu94=)

Gene: BBS10 (Bardet-Biedl syndrome 10; minus strand). Cytogenetic location: 12q21.2.
Variant type: single nucleotide variant.
Coding change: c.282T>C on transcript NM_024685.4 (MANE Select); coding-DNA position 282, T replaced by C.
Protein change: p.Leu94=; no amino-acid change (leucine 94 retained).
Molecular consequence: synonymous variant.
Genome position (GRCh38, 1-based): chr12:76,347,703, A>G on the plus strand (T>C on the coding strand, the complement: BBS10 is on the minus strand). VCF-style: chr12-76347703-A-G. GRCh37 (hg19) VCF-style: chr12-76741483-A-G.
Identifiers: ClinVar variation 3353602 (VCV003353602.1).

ClinVar aggregate classification (germline): Likely benign (0 of 4 stars; one submission).

Conditions:
BBS10-related disorder. Also called: BBS10-related condition.

gnomAD v4.1: 17 of 1,611,996 alleles (0.0011%); highest among the groups gnomAD compares: Non-Finnish European, 0.0014%; no homozygotes.

Submission:

PreventionGenetics, part of Exact Sciences
Classification: Likely benign for BBS10-related condition. Last evaluated: 2022-04-05. Review status: no assertion criteria provided. Collection method: clinical testing. Allele origin: germline.
Comment: This variant is classified as likely benign based on ACMG/AMP sequence variant interpretation guidelines (Richards et al. 2015 PMID: 25741868, with internal and published modifications).